The following is an entry in ClinVar:

ClinVar aggregate classification (germline): Uncertain significance. Review status: criteria provided, multiple submitters, no conflicts (2 of 4 stars). 2 submissions from 2 submitters: Uncertain significance (2). Last evaluated 2024-10-25.

Conditions:
Haddad syndrome (OHD). Also called: Ondine-Hirschsprung disease. Identifiers: Orphanet 99803, MedGen C1859049, MONDO:0020493.
Hereditary cancer-predisposing syndrome. Also called: Hereditary neoplastic syndrome; Neoplastic Syndromes, Hereditary; Tumor predisposition; Hereditary Cancer Syndrome. Identifiers: Orphanet 140162, MedGen C0027672, MeSH D009386, MONDO:0015356.

Allele frequency attached by ClinVar (database versions not stated): gnomAD exomes below 0.00001.

Submissions (2):

Ambry Genetics
Classification: Uncertain significance for Hereditary cancer-predisposing syndrome. Last evaluated: 2024-10-25. Review status: criteria provided, single submitter. Criteria: Ambry Variant Classification Scheme 2023. Collection method: clinical testing. Allele origin: germline.
Comment: The p.A159V variant (also known as c.476C>T), located in coding exon 3 of the PHOX2B gene, results from a C to T substitution at nucleotide position 476. The alanine at codon 159 is replaced by valine, an amino acid with similar properties. This amino acid position is conserved. In addition, the in silico prediction for this alteration is inconclusive. Based on the available evidence, the clinical significance of this variant remains unclear.

Labcorp Genetics (formerly Invitae), Labcorp
Classification: Uncertain significance for Haddad syndrome. Last evaluated: 2022-07-19. Review status: criteria provided, single submitter. Criteria: Invitae Variant Classification Sherloc (09022015). Collection method: clinical testing. Allele origin: germline.
Comment: This variant is not present in population databases (gnomAD no frequency). In summary, the available evidence is currently insufficient to determine the role of this variant in disease. Therefore, it has been classified as a Variant of Uncertain Significance. Algorithms developed to predict the effect of missense changes on protein structure and function are either unavailable or do not agree on the potential impact of this missense change (SIFT: "Deleterious"; PolyPhen-2: "Not Available"; Align-GVGD: "Class C55"). ClinVar contains an entry for this variant (Variation ID: 946861). This variant has not been reported in the literature in individuals affected with PHOX2B-related conditions. This sequence change replaces alanine, which is neutral and non-polar, with valine, which is neutral and non-polar, at codon 159 of the PHOX2B protein (p.Ala159Val).

NM_003924.4(PHOX2B):c.476C>T (p.Ala159Val)

Gene: PHOX2B (paired like homeobox 2B; minus strand). Cytogenetic location: 4p13.
Variant type: single nucleotide variant.
Coding change: c.476C>T on transcript NM_003924.4 (MANE Select); coding-DNA position 476, C replaced by T.
Protein change: p.Ala159Val; replaces alanine 159 with valine.
Molecular consequence: missense variant.
Genome position (GRCh38, 1-based): chr4:41,746,276, G>A on the plus strand (C>T on the coding strand, the complement: PHOX2B is on the minus strand). VCF-style: chr4-41746276-G-A. GRCh37 (hg19) VCF-style: chr4-41748293-G-A.
Other names: short protein forms A159V.
Identifiers: ClinVar variation 946861 (VCV000946861.10), dbSNP rs1733898242, ClinGen allele CA356738644.